The following is an entry in ClinVar:

NM_014319.5(LEMD3):c.92T>A (p.Val31Glu)

Gene: LEMD3 (LEM domain containing 3; plus strand). Cytogenetic location: 12q14.3.
Variant type: single nucleotide variant.
Coding change: c.92T>A on transcript NM_014319.5 (MANE Select); coding-DNA position 92, T replaced by A.
Protein change: p.Val31Glu; replaces valine 31 with glutamic acid.
Molecular consequence: missense variant.
Genome position (GRCh38, 1-based): chr12:65,169,688, T>A. VCF-style: chr12-65169688-T-A. GRCh37 (hg19) VCF-style: chr12-65563468-T-A.
Other names: c.92T>A, p.Val31Glu (NM_001167614.2); short protein forms V31E.
Identifiers: ClinVar variation 1347852 (VCV001347852.8), dbSNP rs1191761619, ClinGen allele CA385671624.

ClinVar aggregate classification (germline): Uncertain significance (1 of 4 stars; one submission).

Allele frequency attached by ClinVar (database versions not stated): gnomAD exomes below 0.00001 and 0.00001; gnomAD 0.00001 and 0.00002; TOPMed 0.00001.
gnomAD v4.1: 6 of 1,585,600 alleles (0.00038%); highest among the groups gnomAD compares: African/African-American, 0.0013%; no homozygotes.

Submission:

Labcorp Genetics (formerly Invitae), Labcorp
Classification: Uncertain significance. Last evaluated: 2025-12-15. Review status: criteria provided, single submitter. Criteria: Invitae Variant Classification Sherloc (09022015). Collection method: clinical testing. Allele origin: germline.
Comment: This sequence change replaces valine, which is neutral and non-polar, with glutamic acid, which is acidic and polar, at codon 31 of the LEMD3 protein (p.Val31Glu). This variant is present in population databases (no rsID available, gnomAD 0.01%). This variant has not been reported in the literature in individuals affected with LEMD3-related conditions. ClinVar contains an entry for this variant (Variation ID: 1347852). Invitae Evidence Modeling of protein sequence and biophysical properties (such as structural, functional, and spatial information, amino acid conservation, physicochemical variation, residue mobility, and thermodynamic stability) indicates that this missense variant is expected to disrupt LEMD3 protein function with a positive predictive value of 80%. In summary, the available evidence is currently insufficient to determine the role of this variant in disease. Therefore, it has been classified as a Variant of Uncertain Significance.